The following is an entry in ClinVar:

NM_000038.6(APC):c.3343G>C (p.Val1115Leu)

Gene: APC (APC regulator of Wnt signaling pathway; plus strand). Cytogenetic location: 5q22.2.
Variant type: single nucleotide variant.
Coding change: c.3343G>C on transcript NM_000038.6 (MANE Select); coding-DNA position 3343, G replaced by C.
Protein change: p.Val1115Leu; replaces valine 1115 with leucine.
Molecular consequence: missense variant.
Genome position (GRCh38, 1-based): chr5:112,838,937, G>C. VCF-style: chr5-112838937-G-C. GRCh37 (hg19) VCF-style: chr5-112174634-G-C.
Other names: c.3343G>C, p.Val1115Leu (NM_001127510.3, NM_001354895.2); c.3289G>C, p.Val1097Leu (NM_001127511.3); c.3397G>C, p.Val1133Leu (NM_001354896.2); c.3373G>C, p.Val1125Leu (NM_001354897.2); c.3268G>C, p.Val1090Leu (NM_001354898.2); c.3259G>C, p.Val1087Leu (NM_001354899.2); c.3220G>C, p.Val1074Leu (NM_001354900.2); c.3166G>C, p.Val1056Leu (NM_001354901.2); and 5 more; short protein forms V1024L, V1087L, V832L, V1056L, V1090L, V1097L, V955L, V989L.
Identifiers: ClinVar variation 945002 (VCV000945002.12), dbSNP rs763392909, ClinGen allele CA16028659.

ClinVar aggregate classification (germline): Uncertain significance. Review status: criteria provided, multiple submitters, no conflicts (2 of 4 stars). 4 submissions from 4 submitters: Uncertain significance (4). Last evaluated 2025-06-20.

Conditions:
Classic or attenuated familial adenomatous polyposis. Identifiers: MedGen CN372698, MONDO:0021057.
Hereditary cancer-predisposing syndrome. Also called: Neoplastic Syndromes, Hereditary; Hereditary Cancer Syndrome; Tumor predisposition; Hereditary neoplastic syndrome. Identifiers: Orphanet 140162, MedGen C0027672, MeSH D009386, MONDO:0015356.
Familial adenomatous polyposis 1 (FAP1). Also called: POLYPOSIS, ADENOMATOUS INTESTINAL; FAMILIAL ADENOMATOUS POLYPOSIS 1, ATTENUATED. Identifiers: MedGen C2713442, MONDO:0021056, OMIM 175100. Disease mechanism: loss of function.

gnomAD v4.1: 1 of 1,614,080 alleles (0.000062%); highest among the groups gnomAD compares: South Asian, 0.0011%; no homozygotes.

Submissions (4):

Labcorp Genetics (formerly Invitae), Labcorp
Classification: Uncertain significance for Familial adenomatous polyposis 1. Last evaluated: 2025-06-20. Review status: criteria provided, single submitter. Criteria: Invitae Variant Classification Sherloc (09022015). Collection method: clinical testing. Allele origin: germline.
Comment: This sequence change replaces valine, which is neutral and non-polar, with leucine, which is neutral and non-polar, at codon 1115 of the APC protein (p.Val1115Leu). This variant is not present in population databases (gnomAD no frequency). This variant has not been reported in the literature in individuals affected with APC-related conditions. ClinVar contains an entry for this variant (Variation ID: 945002). Invitae Evidence Modeling of protein sequence and biophysical properties (such as structural, functional, and spatial information, amino acid conservation, physicochemical variation, residue mobility, and thermodynamic stability) indicates that this missense variant is not expected to disrupt APC protein function with a negative predictive value of 95%. In summary, the available evidence is currently insufficient to determine the role of this variant in disease. Therefore, it has been classified as a Variant of Uncertain Significance.

Ambry Genetics
Classification: Uncertain significance for Hereditary cancer-predisposing syndrome. Last evaluated: 2024-05-31. Review status: criteria provided, single submitter. Criteria: Ambry Variant Classification Scheme 2023. Collection method: clinical testing. Allele origin: germline.
Comment: The p.V1115L variant (also known as c.3343G>C), located in coding exon 15 of the APC gene, results from a G to C substitution at nucleotide position 3343. The valine at codon 1115 is replaced by leucine, an amino acid with highly similar properties. This amino acid position is conserved. In addition, in silico predictors for this gene do not accurately predict pathogenicity. Based on the available evidence, the clinical significance of this variant remains unclear.

All of Us Research Program, National Institutes of Health
Classification: Uncertain significance for Classic or attenuated familial adenomatous polyposis. Last evaluated: 2023-11-30. Review status: criteria provided, single submitter. Criteria: ACMG Guidelines, 2015. Collection method: clinical testing. Allele origin: germline. Inheritance: Autosomal dominant inheritance. Observed: 2 variant alleles, 2 heterozygotes.
Comment: This missense variant replaces valine with leucine at codon 1115 of the APC protein. Computational prediction suggests that this variant may not impact protein structure and function (internally defined REVEL score threshold <= 0.5, PMID: 27666373). To our knowledge, functional studies have not been reported for this variant. This variant has not been reported in individuals affected with APC-related disorders in the literature. This variant has not been identified in the general population by the Genome Aggregation Database (gnomAD). The available evidence is insufficient to determine the role of this variant in disease conclusively. Therefore, this variant is classified as a Variant of Uncertain Significance.

This study involves interpretation of variants in research participants for the purpose of population health screening. Participant phenotype was not available at the time of variant classification. Additional details can be found in publication PMID: 35346344, PMCID: PMC8962531

Baylor Genetics
Classification: Uncertain significance for Familial adenomatous polyposis 1. Last evaluated: 2023-05-05. Review status: criteria provided, single submitter. Criteria: ACMG Guidelines, 2015. Collection method: clinical testing. Allele origin: unknown.